The following is an entry in ClinVar:

ClinVar aggregate classification (germline): Uncertain significance. Review status: criteria provided, multiple submitters, no conflicts (2 of 4 stars). 2 submissions from 2 submitters: Uncertain significance (2). Last evaluated 2022-07-01.

Conditions:
Inborn genetic diseases. Identifiers: MedGen C0950123, MeSH D030342.

Allele frequency attached by ClinVar (database versions not stated): gnomAD 0.00003 and 0.00004; gnomAD exomes 0.00004; TOPMed 0.00006; ExAC 0.00008; ESP Exome Variant Server 0.00008.
gnomAD v4.1: 63 of 1,610,322 alleles (0.0039%); highest among the groups gnomAD compares: South Asian, 0.0055%; no homozygotes.

Submissions (2):

Labcorp Genetics (formerly Invitae), Labcorp
Classification: Uncertain significance. Last evaluated: 2022-07-01. Review status: criteria provided, single submitter. Criteria: Invitae Variant Classification Sherloc (09022015). Collection method: clinical testing. Allele origin: germline.
Comment: This sequence change replaces aspartic acid, which is acidic and polar, with asparagine, which is neutral and polar, at codon 491 of the TBCK protein (p.Asp491Asn). This variant is present in population databases (rs377591139, gnomAD 0.01%). This variant has not been reported in the literature in individuals affected with TBCK-related conditions. ClinVar contains an entry for this variant (Variation ID: 1397508). Algorithms developed to predict the effect of missense changes on protein structure and function (SIFT, PolyPhen-2, Align-GVGD) all suggest that this variant is likely to be tolerated. In summary, the available evidence is currently insufficient to determine the role of this variant in disease. Therefore, it has been classified as a Variant of Uncertain Significance.

Ambry Genetics
Classification: Uncertain significance for Inborn genetic diseases. Last evaluated: 2021-08-02. Review status: criteria provided, single submitter. Criteria: Ambry Variant Classification Scheme 2023. Collection method: clinical testing. Allele origin: germline.

NM_001163435.3(TBCK):c.1471G>A (p.Asp491Asn)

Gene: TBCK (TBC1 domain containing kinase; minus strand). Cytogenetic location: 4q24.
Variant type: single nucleotide variant.
Coding change: c.1471G>A on transcript NM_001163435.3 (MANE Select); coding-DNA position 1471, G replaced by A.
Protein change: p.Asp491Asn; replaces aspartic acid 491 with asparagine.
Molecular consequence: missense variant.
Genome position (GRCh38, 1-based): chr4:106,233,629, C>T on the plus strand (G>A on the coding strand, the complement: TBCK is on the minus strand). VCF-style: chr4-106233629-C-T. GRCh37 (hg19) VCF-style: chr4-107154786-C-T.
Other names: c.1471G>A, p.Asp491Asn (NM_001163436.4); c.1354G>A, p.Asp452Asn (NM_001163437.3); c.955G>A, p.Asp319Asn (NM_001290768.2); c.1282G>A, p.Asp428Asn (NM_033115.5); c.1471G>A (NM_001163435.1); short protein forms D319N, D428N, D452N, D491N.
Identifiers: ClinVar variation 1397508 (VCV001397508.4), dbSNP rs377591139, ClinGen allele CA3035046.